The following is an entry in ClinVar:

ClinVar aggregate classification (germline): Likely benign. Review status: criteria provided, multiple submitters, no conflicts (2 of 4 stars). 2 submissions from 2 submitters: Likely benign (2). Last evaluated 2024-06-19.

gnomAD v4.1: 4 of 1,584,372 alleles (0.00025%); highest among the groups gnomAD compares: Non-Finnish European, 0.00035%; no homozygotes.

Submissions (2):

Women's Health and Genetics/Laboratory Corporation of America, LabCorp
Classification: Likely benign. Last evaluated: 2024-06-19. Review status: criteria provided, single submitter. Criteria: LabCorp Variant Classification Summary - May 2015. Collection method: clinical testing. Allele origin: germline.
Comment: Variant summary: PIK3R1 c.1020-19T>G alters a non-conserved nucleotide located at a position not widely known to affect splicing. Consensus agreement among computation tools predict no significant impact on normal splicing. However, these predictions have yet to be confirmed by functional studies. The variant allele was found at a frequency of 8e-06 in 250332 control chromosomes (gnomAD). The available data on variant occurrences in the general population are insufficient to allow any conclusion about variant significance. To our knowledge, no occurrence of c.1020-19T>G in individuals affected with SHORT Syndrome and no experimental evidence demonstrating its impact on protein function have been reported. No submitters have cited clinical-significance assessments for this variant to ClinVar. Based on the evidence outlined above, the variant was classified as likely benign.

Blueprint Genetics
Classification: Likely benign. Last evaluated: 2023-06-02. Review status: criteria provided, single submitter. Criteria: ACMG Guidelines, 2015. Collection method: clinical testing. Allele origin: germline.

NM_181523.3(PIK3R1):c.1020-19T>G

Gene: PIK3R1 (phosphoinositide-3-kinase regulatory subunit 1; plus strand). Cytogenetic location: 5q13.1.
Variant type: single nucleotide variant.
Coding change: c.1020-19T>G on transcript NM_181523.3 (MANE Select); 19 bases into the intron before coding-DNA position 1020, T replaced by G.
Molecular consequence: intron variant.
Genome position (GRCh38, 1-based): chr5:68,293,082, T>G. VCF-style: chr5-68293082-T-G. GRCh37 (hg19) VCF-style: chr5-67588910-T-G.
Other names: c.120-19T>G (NM_181524.2); c.210-19T>G (NM_181504.4); c.-70-19T>G (NM_001242466.2).
Identifiers: ClinVar variation 3339975 (VCV003339975.2).